The following is an entry in ClinVar:

NM_003477.3(PDHX):c.241+173G>A

Gene: PDHX (pyruvate dehydrogenase complex component X; plus strand). Cytogenetic location: 11p13.
Variant type: single nucleotide variant.
Coding change: c.241+173G>A on transcript NM_003477.3 (MANE Select); 173 bases into the intron after coding-DNA position 241, G replaced by A.
Molecular consequence: intron variant.
Genome position (GRCh38, 1-based): chr11:34,931,657, G>A. VCF-style: chr11-34931657-G-A. GRCh37 (hg19) VCF-style: chr11-34953204-G-A.
Other names: c.61+173G>A (NM_001135024.2); c.241+173G>A (NM_001166158.2).
Identifiers: ClinVar variation 673749 (VCV000673749.1), dbSNP rs77452052, ClinGen allele CA220486381.

ClinVar aggregate classification (germline): Likely benign (1 of 4 stars; one submission).

Allele frequency attached by ClinVar (database versions not stated): 1000 Genomes Project 0.00200; 1000 Genomes Project 30x 0.00219; gnomAD 0.00418 and 0.00451; TOPMed 0.00453.
gnomAD v4.1: 632 of 151,908 alleles (0.42%); highest among the groups gnomAD compares: African/African-American, 1.5%; 6 homozygotes.

Submission:

GeneDx
Classification: Likely benign. Last evaluated: 2018-06-16. Review status: criteria provided, single submitter. Criteria: GeneDx Variant Classification (06012015). Collection method: clinical testing. Allele origin: germline. Affected: yes.
Comment: This variant is considered likely benign or benign based on one or more of the following criteria: it is a conservative change, it occurs at a poorly conserved position in the protein, it is predicted to be benign by multiple in silico algorithms, and/or has population frequency not consistent with disease.